The following is an entry in ClinVar:

NM_001365999.1(SZT2):c.6700C>T (p.Leu2234Phe)

Gene: SZT2 (SZT2 subunit of KICSTOR complex; plus strand). Cytogenetic location: 1p34.2.
Variant type: single nucleotide variant.
Coding change: c.6700C>T on transcript NM_001365999.1 (MANE Select); coding-DNA position 6700, C replaced by T.
Protein change: p.Leu2234Phe; replaces leucine 2234 with phenylalanine.
Molecular consequence: missense variant.
Genome position (GRCh38, 1-based): chr1:43,439,001, C>T. VCF-style: chr1-43439001-C-T. GRCh37 (hg19) VCF-style: chr1-43904672-C-T.
Other names: c.6529C>T, p.Leu2177Phe (NM_015284.4); short protein forms L2177F, L2234F.
Identifiers: ClinVar variation 2726549 (VCV002726549.2), dbSNP rs2545844194, ClinGen allele CA340031795.

ClinVar aggregate classification (germline): Uncertain significance (1 of 4 stars; one submission).

Allele frequency attached by ClinVar (database versions not stated): gnomAD exomes below 0.00001.
gnomAD v4.1: 1 of 1,614,242 alleles (0.000062%); highest among the groups gnomAD compares: Non-Finnish European, 0.000085%; no homozygotes.

Submission:

Labcorp Genetics (formerly Invitae), Labcorp
Classification: Uncertain significance. Last evaluated: 2023-03-04. Review status: criteria provided, single submitter. Criteria: Invitae Variant Classification Sherloc (09022015). Collection method: clinical testing. Allele origin: germline.
Comment: This variant is not present in population databases (gnomAD no frequency). This variant has not been reported in the literature in individuals affected with SZT2-related conditions. Advanced modeling of protein sequence and biophysical properties (such as structural, functional, and spatial information, amino acid conservation, physicochemical variation, residue mobility, and thermodynamic stability) has been performed at Invitae for this missense variant, however the output from this modeling did not meet the statistical confidence thresholds required to predict the impact of this variant on SZT2 protein function. In summary, the available evidence is currently insufficient to determine the role of this variant in disease. Therefore, it has been classified as a Variant of Uncertain Significance. This sequence change replaces leucine, which is neutral and non-polar, with phenylalanine, which is neutral and non-polar, at codon 2177 of the SZT2 protein (p.Leu2177Phe).